The following is an entry in ClinVar:

NM_178138.6(LHX3):c.775+1G>A

Gene: LHX3 (LIM homeobox 3; minus strand). Cytogenetic location: 9q34.3.
Variant type: single nucleotide variant.
Coding change: c.775+1G>A on transcript NM_178138.6 (MANE Select); the canonical splice donor site of the intron after coding-DNA position 775, G replaced by A.
Molecular consequence: splice donor variant.
Genome position (GRCh38, 1-based): chr9:136,198,651, C>T on the plus strand (G>A on the coding strand, the complement: LHX3 is on the minus strand). VCF-style: chr9-136198651-C-T. GRCh37 (hg19) VCF-style: chr9-139090497-C-T.
Other names: c.790+1G>A (NM_014564.5); c.742+1G>A (NM_001363746.1).
Identifiers: ClinVar variation 4815727 (VCV004815727.1).
Genomic context (GRCh38, chr9:136,198,651, plus strand): 5'-CCCCTGCGACCCCGCCGACGCGCGCTCGTCCCCCCCCGAGCTCCGCGATCCCTCCGCCTA[C>T]CGGGGAAGGAGACCTCAGCGTCGCTGTCCTGCCCCTCCTGAACGCTGTCCTTGTCCGACT-3'

ClinVar aggregate classification (germline): Likely pathogenic (1 of 4 stars; one submission).

Conditions:
Non-acquired combined pituitary hormone deficiency with spine abnormalities (CPHD3). Also called: Winkelman Bethge Pfeiffer syndrome; WBP syndrome; Combined pituitary hormone deficiency type 3. Identifiers: Orphanet 231720, MedGen C3489787, MONDO:0009091, OMIM 221750.

Submission:

Natera, Inc.
Classification: Likely pathogenic for Combined pituitary hormone deficiency type 3. Last evaluated: 2025-07-28. Review status: criteria provided, single submitter. Criteria: Natera Variant Classification Schema (03/2026). Collection method: clinical testing. Allele origin: germline.
Comment: The c.790+1G>A variant in LHX3 is a canonical splice donor site variant predicted to affect pre-mRNA splicing, which may result in an abnormal transcript and altered protein product. This variant is expected to result in nonsense mediated decay, truncation, or a dysfunctional protein product. This variant is rare in the general population with a frequency below the threshold expected for the associated phenotype(s). Given the available evidence, this variant is classified as Likely Pathogenic.